The following is an entry in ClinVar:

NM_024577.4(SH3TC2):c.3736G>A (p.Asp1246Asn)

Gene: SH3TC2 (SH3 domain and tetratricopeptide repeats 2; minus strand). Cytogenetic location: 5q32.
Variant type: single nucleotide variant.
Coding change: c.3736G>A on transcript NM_024577.4 (MANE Select); coding-DNA position 3736, G replaced by A.
Protein change: p.Asp1246Asn; replaces aspartic acid 1246 with asparagine.
Molecular consequence: missense variant.
Genome position (GRCh38, 1-based): chr5:149,004,842, C>T on the plus strand (G>A on the coding strand, the complement: SH3TC2 is on the minus strand). VCF-style: chr5-149004842-C-T. GRCh37 (hg19) VCF-style: chr5-148384405-C-T.
Other names: short protein forms D1246N.
Identifiers: ClinVar variation 932396 (VCV000932396.49), dbSNP rs753142542, ClinGen allele CA3498638.

ClinVar aggregate classification (germline): Uncertain significance. Review status: criteria provided, multiple submitters, no conflicts (2 of 4 stars). 5 submissions from 5 submitters: Uncertain significance (5). Last evaluated 2025-09-11.

Conditions:
Inborn genetic diseases. Identifiers: MedGen C0950123, MeSH D030342.
SH3TC2-related disorder. Also called: SH3TC2-related condition; SH3TC2-related disorders. Identifiers: MedGen CN239303.
Charcot-Marie-Tooth disease type 4C (CMT4C). Also called: Charcot-Marie-Tooth Neuropathy Type 4C (CMT4C); SH3TC2-Related Hereditary Motor and Sensory Neuropathy; CHARCOT-MARIE-TOOTH DISEASE, DEMYELINATING, TYPE 4C; CHARCOT-MARIE-TOOTH DISEASE, DEMYELINATING, AUTOSOMAL RECESSIVE, TYPE 4C; CMT 4C. Identifiers: Orphanet 99949, MedGen C1866636, MONDO:0011113, OMIM 601596.
Susceptibility to mononeuropathy of the median nerve, mild. Also called: CARPAL TUNNEL SYNDROME, SUSCEPTIBILITY TO. Identifiers: MedGen C3150596, MONDO:0013237, OMIM 613353.
Charcot-Marie-Tooth disease type 4. Also called: Charcot-Marie-Tooth disease, type IV; Charcot-Marie-Tooth, Type 4. Identifiers: Orphanet 64749, MedGen C4082197, MONDO:0018995.

Allele frequency attached by ClinVar (database versions not stated): gnomAD exomes 0.00002 and 0.00003; gnomAD 0.00003 and 0.00004; ExAC 0.00004; TOPMed 0.00005.
gnomAD v4.1: 43 of 1,614,082 alleles (0.0027%); highest among the groups gnomAD compares: Non-Finnish European, 0.0032%; no homozygotes.

Submissions (5):

PreventionGenetics, part of Exact Sciences
Classification: Uncertain significance for SH3TC2-related condition. Last evaluated: 2025-09-11. Review status: criteria provided, single submitter. Criteria: ACMG Guidelines, 2015. Collection method: clinical testing. Allele origin: germline.
Comment: The SH3TC2 c.3736G>A variant is predicted to result in the amino acid substitution p.Asp1246Asn. To our knowledge, this variant has not been reported in the literature. This variant is reported in 0.0054% of alleles in individuals of European (Non-Finnish) descent in gnomAD. At this time, the clinical significance of this variant is uncertain due to the absence of conclusive functional and genetic evidence.

Ambry Genetics
Classification: Uncertain significance for Inborn genetic diseases. Last evaluated: 2025-08-05. Review status: criteria provided, single submitter. Criteria: Ambry Variant Classification Scheme 2023. Collection method: clinical testing. Allele origin: germline.

Labcorp Genetics (formerly Invitae), Labcorp
Classification: Uncertain significance for Charcot-Marie-Tooth disease type 4. Last evaluated: 2025-07-07. Review status: criteria provided, single submitter. Criteria: Invitae Variant Classification Sherloc (09022015). Collection method: clinical testing. Allele origin: germline.
Comment: This sequence change replaces aspartic acid, which is acidic and polar, with asparagine, which is neutral and polar, at codon 1246 of the SH3TC2 protein (p.Asp1246Asn). This variant is present in population databases (rs753142542, gnomAD 0.008%). This variant has not been reported in the literature in individuals affected with SH3TC2-related conditions. ClinVar contains an entry for this variant (Variation ID: 932396). Invitae Evidence Modeling of protein sequence and biophysical properties (such as structural, functional, and spatial information, amino acid conservation, physicochemical variation, residue mobility, and thermodynamic stability) indicates that this missense variant is not expected to disrupt SH3TC2 protein function with a negative predictive value of 95%. In summary, the available evidence is currently insufficient to determine the role of this variant in disease. Therefore, it has been classified as a Variant of Uncertain Significance.

New York Genome Center
Classification: Uncertain significance for Susceptibility to mononeuropathy of the median nerve, mild; Charcot-Marie-Tooth disease type 4C. Last evaluated: 2023-04-10. Review status: criteria provided, single submitter. Criteria: NYGC Assertion Criteria 2020. Collection method: clinical testing. Allele origin: germline. Observed: 1 heterozygote.

CeGaT Center for Human Genetics Tuebingen
Classification: Uncertain significance. Last evaluated: 2023-03-01. Review status: criteria provided, single submitter. Criteria: CeGaT Center For Human Genetics Tuebingen Variant Classification Criteria Version 2. Collection method: clinical testing. Allele origin: germline. Affected: yes. Observed: 2 variant alleles.
Comment: SH3TC2: PM2, BP4